The following is an entry in ClinVar:

NM_207122.2(EXT2):c.1172_1173dup (p.Ala392fs)

Gene: EXT2 (exostosin glycosyltransferase 2; plus strand). Cytogenetic location: 11p11.2.
Variant type: Duplication.
Coding change: c.1172_1173dup on transcript NM_207122.2 (MANE Select); coding-DNA positions 1172 to 1173, 2 bases duplicated (AG; older notation c.1172_1173dupAG).
Protein change: p.Ala392fs; shifts the reading frame from alanine 392.
Molecular consequence: frameshift variant.
Genome position (GRCh38, 1-based): chr11:44,130,137-44,130,138, AG duplicated. VCF-style (leftmost placement, unchanged base first): chr11-44130136-C-CAG. GRCh37 (hg19) VCF-style: chr11-44151686-C-CAG.
Other names: c.1271_1272dup, p.Ala425fs (NM_000401.3); c.1172_1173dup, p.Leu392fs (NM_001178083.3); c.1172_1173dup, p.Ala392fs (NM_001389628.1, NM_001389630.1); short protein forms A392fs, A425fs, L392fs.
Identifiers: ClinVar variation 2751788 (VCV002751788.3), dbSNP rs2539577681, ClinGen allele CA2697548531.

ClinVar aggregate classification (germline): Pathogenic (1 of 4 stars; one submission).

Conditions:
Exostoses, multiple, type 2 (EXT2). Also called: Hereditary Multiple Osteochondromatosis, Type II; EXOSTOSES, MULTIPLE, TYPE II. Identifiers: Orphanet 321, MedGen C1851413, MONDO:0007586, OMIM 133701.

Submission:

Labcorp Genetics (formerly Invitae), Labcorp
Classification: Pathogenic for Exostoses, multiple, type 2. Last evaluated: 2023-08-10. Review status: criteria provided, single submitter. Criteria: Invitae Variant Classification Sherloc (09022015). Collection method: clinical testing. Allele origin: germline.
Comment: This sequence change creates a premature translational stop signal (p.Ala392Argfs*45) in the EXT2 gene. It is expected to result in an absent or disrupted protein product. Loss-of-function variants in EXT2 are known to be pathogenic (PMID: 10679937, 19810120). This variant is not present in population databases (gnomAD no frequency). This variant has not been reported in the literature in individuals affected with EXT2-related conditions. For these reasons, this variant has been classified as Pathogenic.

Literature cited by the submitters: PubMed 10679937; PubMed 19810120.